The following is an entry in ClinVar:

NM_014000.3(VCL):c.1640G>A (p.Arg547Gln)

Gene: VCL (vinculin; plus strand). Cytogenetic location: 10q22.2.
Variant type: single nucleotide variant.
Coding change: c.1640G>A on transcript NM_014000.3 (MANE Select); coding-DNA position 1640, G replaced by A.
Protein change: p.Arg547Gln; replaces arginine 547 with glutamine.
Molecular consequence: missense variant.
Genome position (GRCh38, 1-based): chr10:74,095,752, G>A. VCF-style: chr10-74095752-G-A. GRCh37 (hg19) VCF-style: chr10-75855510-G-A.
Other names: c.1640G>A, p.Arg547Gln (NM_003373.4); short protein forms R547Q.
Identifiers: ClinVar variation 943118 (VCV000943118.14), dbSNP rs748044427, ClinGen allele CA5563050.

ClinVar aggregate classification (germline): Uncertain significance. Review status: criteria provided, multiple submitters, no conflicts (2 of 4 stars). 3 submissions from 3 submitters: Uncertain significance (3). Last evaluated 2025-10-27.

Conditions:
Dilated cardiomyopathy 1W (CMD1W). Identifiers: Orphanet 154, MedGen C1969639, MONDO:0012667, OMIM 611407.
Hypertrophic cardiomyopathy 15. Identifiers: MedGen C2750459, MONDO:0013200, OMIM 613255.
Cardiovascular phenotype. Identifiers: MedGen CN230736.

Allele frequency attached by ClinVar (database versions not stated): ExAC 0.00001; gnomAD exomes 0.00001.
gnomAD v4.1: 31 of 1,614,224 alleles (0.0019%); highest among the groups gnomAD compares: Middle Eastern, 0.017%; no homozygotes.

Submissions (3):

Ambry Genetics
Classification: Uncertain significance for Cardiovascular phenotype. Last evaluated: 2025-10-27. Review status: criteria provided, single submitter. Criteria: Ambry Variant Classification Scheme 2023. Collection method: clinical testing. Allele origin: germline.
Comment: The p.R547Q variant (also known as c.1640G>A), located in coding exon 12 of the VCL gene, results from a G to A substitution at nucleotide position 1640. The arginine at codon 547 is replaced by glutamine, an amino acid with highly similar properties. This amino acid position is well conserved in available vertebrate species; however, glutamine is the reference amino acid in other vertebrate species. In addition, this alteration is predicted to be tolerated by in silico analysis. Since supporting evidence is limited at this time, the clinical significance of this alteration remains unclear.

Labcorp Genetics (formerly Invitae), Labcorp
Classification: Uncertain significance for Dilated cardiomyopathy 1W. Last evaluated: 2025-07-29. Review status: criteria provided, single submitter. Criteria: Invitae Variant Classification Sherloc (09022015). Collection method: clinical testing. Allele origin: germline.
Comment: This sequence change replaces arginine, which is basic and polar, with glutamine, which is neutral and polar, at codon 547 of the VCL protein (p.Arg547Gln). This variant is present in population databases (rs748044427, gnomAD 0.003%). This variant has not been reported in the literature in individuals affected with VCL-related conditions. ClinVar contains an entry for this variant (Variation ID: 943118). An algorithm developed to predict the effect of missense changes on protein structure and function (PolyPhen-2) suggests that this variant is likely to be tolerated. In summary, the available evidence is currently insufficient to determine the role of this variant in disease. Therefore, it has been classified as a Variant of Uncertain Significance.

Fulgent Genetics
Classification: Uncertain significance for Dilated cardiomyopathy 1W; Hypertrophic cardiomyopathy 15. Last evaluated: 2021-09-10. Review status: criteria provided, single submitter. Criteria: ACMG Guidelines, 2015. Collection method: clinical testing. Allele origin: unknown.